The following is an entry in ClinVar:

ClinVar aggregate classification (germline): Uncertain significance (1 of 4 stars; one submission).

Submission:

Labcorp Genetics (formerly Invitae), Labcorp
Classification: Uncertain significance. Last evaluated: 2025-07-14. Review status: criteria provided, single submitter. Criteria: Invitae Variant Classification Sherloc (09022015). Collection method: clinical testing. Allele origin: germline.
Comment: This sequence change replaces threonine, which is neutral and polar, with isoleucine, which is neutral and non-polar, at codon 6 of the SGMS2 protein (p.Thr6Ile). This variant is not present in population databases (gnomAD no frequency). This variant has not been reported in the literature in individuals affected with SGMS2-related conditions. ClinVar contains an entry for this variant (Variation ID: 2844759). An algorithm developed to predict the effect of missense changes on protein structure and function (PolyPhen-2) suggests that this variant is likely to be disruptive. In summary, the available evidence is currently insufficient to determine the role of this variant in disease. Therefore, it has been classified as a Variant of Uncertain Significance.

NM_001375905.1(SGMS2):c.17C>T (p.Thr6Ile)

Genes: CYP2U1-AS1 (CYP2U1 and SGMS2 antisense RNA 1; minus strand), SGMS2 (sphingomyelin synthase 2; plus strand). Cytogenetic location: 4q25.
Variant type: single nucleotide variant.
Coding change: c.17C>T on transcript NM_001375905.1 (MANE Select); coding-DNA position 17, C replaced by T.
Protein change: p.Thr6Ile; replaces threonine 6 with isoleucine.
Molecular consequence: missense variant. On other transcripts: intron variant (1).
Genome position (GRCh38, 1-based): chr4:107,895,570, C>T. VCF-style: chr4-107895570-C-T. GRCh37 (hg19) VCF-style: chr4-108816726-C-T.
Other names: c.17C>T, p.Thr6Ile (NM_001375906.1, NM_001375907.1, NM_001375908.1 and 4 more transcripts); c.-64-4005C>T (NM_001375911.1); short protein forms T6I.
Identifiers: ClinVar variation 2844759 (VCV002844759.3), dbSNP rs2476721228, ClinGen allele CA357834247.
Genomic context (GRCh38, chr4:107,895,570, plus strand): 5'-CAAGAACTTGACCATCTCCTTTTTGATCTGAAGACTAGGGGACAATGGATATCATAGAGA[C>T]AGCAAAACTTGAAGAACATTTGGAAAATCAACCCAGTGATCCTACGAACACTTATGCAAG-3'
Protein context (NP_001362834.1, residues 1-16): MDIIE[Thr6Ile]AKLEEHLENQ